The following is an entry in ClinVar:

ClinVar aggregate classification (germline): Conflicting classifications of pathogenicity. Review status: criteria provided, conflicting classifications (1 of 4 stars). 2 submissions from 2 submitters: Likely pathogenic (1); Uncertain significance (1). Last evaluated 2024-05-20.

Conditions:
Pyruvate dehydrogenase E1-alpha deficiency (PDHAD). Also called: Ataxia, intermittent, with pyruvate dehydrogenase, or decarboxylase, deficiency; ATAXIA WITH LACTIC ACIDOSIS I; ATAXIA, INTERMITTENT, WITH ABNORMAL PYRUVATE METABOLISM; ATAXIA, INTERMITTENT, WITH PYRUVATE DEHYDROGENASE DEFICIENCY. Identifiers: Orphanet 79243, MedGen C1839413, MONDO:0010717, OMIM 312170.

Submissions (2):

Labcorp Genetics (formerly Invitae), Labcorp
Classification: Uncertain significance for Pyruvate dehydrogenase E1-alpha deficiency. Last evaluated: 2024-05-20. Review status: criteria provided, single submitter. Criteria: Invitae Variant Classification Sherloc (09022015). Collection method: clinical testing. Allele origin: germline.
Comment: This sequence change replaces glycine, which is neutral and non-polar, with arginine, which is basic and polar, at codon 256 of the PDHA1 protein (p.Gly256Arg). This variant is not present in population databases (gnomAD no frequency). This variant has not been reported in the literature in individuals affected with PDHA1-related conditions. ClinVar contains an entry for this variant (Variation ID: 2498132). Advanced modeling of protein sequence and biophysical properties (such as structural, functional, and spatial information, amino acid conservation, physicochemical variation, residue mobility, and thermodynamic stability) performed at Invitae indicates that this missense variant is expected to disrupt PDHA1 protein function with a positive predictive value of 95%. In summary, the available evidence is currently insufficient to determine the role of this variant in disease. Therefore, it has been classified as a Variant of Uncertain Significance.

Medical Genetics Center, Maternal and Child Health Hospital of Hubei Province
Classification: Likely pathogenic for Pyruvate dehydrogenase E1-alpha deficiency. Last evaluated: 2022-08-02. Review status: criteria provided, single submitter. Criteria: ACMG Guidelines, 2015. Collection method: clinical testing. Allele origin: de novo. Affected: yes.

NM_000284.4(PDHA1):c.766G>A (p.Gly256Arg)

Gene: PDHA1 (pyruvate dehydrogenase E1 subunit alpha 1; plus strand). Cytogenetic location: Xp22.12.
Variant type: single nucleotide variant.
Coding change: c.766G>A on transcript NM_000284.4 (MANE Select); coding-DNA position 766, G replaced by A.
Protein change: p.Gly256Arg; replaces glycine 256 with arginine.
Molecular consequence: missense variant.
Genome position (GRCh38, 1-based): chrX:19,355,692, G>A. VCF-style: chrX-19355692-G-A. GRCh37 (hg19) VCF-style: chrX-19373810-G-A.
Other names: c.880G>A, p.Gly294Arg (NM_001173454.2); c.787G>A, p.Gly263Arg (NM_001173455.2); c.673G>A, p.Gly225Arg (NM_001173456.2); short protein forms G225R, G256R, G263R, G294R.
Identifiers: ClinVar variation 2498132 (VCV002498132.4), dbSNP rs2518500437, ClinGen allele CA412394725.